The following is an entry in ClinVar:

NM_000489.6(ATRX):c.1598A>T (p.Glu533Val)

Gene: ATRX (ATRX chromatin remodeler; minus strand). Cytogenetic location: Xq21.1.
Variant type: single nucleotide variant.
Coding change: c.1598A>T on transcript NM_000489.6 (MANE Select); coding-DNA position 1598, A replaced by T.
Protein change: p.Glu533Val; replaces glutamic acid 533 with valine.
Molecular consequence: missense variant.
Genome position (GRCh38, 1-based): chrX:77,683,658, T>A on the plus strand (A>T on the coding strand, the complement: ATRX is on the minus strand). VCF-style: chrX-77683658-T-A. GRCh37 (hg19) VCF-style: chrX-76939150-T-A.
Other names: c.1598A>T (NM_000489.3); c.1484A>T, p.Glu495Val (NM_138270.5); short protein forms E533V, E495V.
Identifiers: ClinVar variation 2145445 (VCV002145445.5), dbSNP rs2148618900, ClinGen allele CA413717220.
Genomic context (GRCh38, chrX:77,683,658, plus strand): 5'-TCAGTTCCACTGCTGCCATCCCCTTGATGATCAACTGAACTCTGAACTTCCATAGCAGTC[T>A]CAAGATTCTCAAAAATGTCTTCTGGAACTGAGGAAGGAACAGACACAATATCCATGTCTA-3'
Protein context (NP_000480.3, residues 523-543): SVPEDIFENL[Glu533Val]TAMEVQSSVD

ClinVar aggregate classification (germline): Uncertain significance. Review status: criteria provided, multiple submitters, no conflicts (2 of 4 stars). 2 submissions from 2 submitters: Uncertain significance (2). Last evaluated 2023-03-17.

Conditions:
Alpha thalassemia-X-linked intellectual disability syndrome (ATRX). Also called: ALPHA-THALASSEMIA/MENTAL RETARDATION SYNDROME, X-LINKED; ATR, NONDELETION TYPE; ATR-X syndrome; Alpha thalassemia mental retardation syndrome, nondeletion type, X-linked; XLMR hypotonic face syndrome; X-linked alpha-thalassemia-mental retardation syndrome. Identifiers: Orphanet 847, MedGen C1845055, MONDO:0010519, OMIM 301040.

Submissions (2):

GeneDx
Classification: Uncertain significance. Last evaluated: 2023-03-17. Review status: criteria provided, single submitter. Criteria: GeneDx Variant Classification Process June 2021. Collection method: clinical testing. Allele origin: germline. Affected: yes.
Comment: Not observed at significant frequency in large population cohorts (gnomAD); In silico analysis supports that this missense variant has a deleterious effect on protein structure/function; Has not been previously published as pathogenic or benign to our knowledge

Labcorp Genetics (formerly Invitae), Labcorp
Classification: Uncertain significance for Alpha thalassemia-X-linked intellectual disability syndrome. Last evaluated: 2022-10-22. Review status: criteria provided, single submitter. Criteria: Invitae Variant Classification Sherloc (09022015). Collection method: clinical testing. Allele origin: germline.
Comment: This variant is not present in population databases (gnomAD no frequency). This sequence change replaces glutamic acid, which is acidic and polar, with valine, which is neutral and non-polar, at codon 533 of the ATRX protein (p.Glu533Val). This variant has not been reported in the literature in individuals affected with ATRX-related conditions. Advanced modeling of protein sequence and biophysical properties (such as structural, functional, and spatial information, amino acid conservation, physicochemical variation, residue mobility, and thermodynamic stability) has been performed at Invitae for this missense variant, however the output from this modeling did not meet the statistical confidence thresholds required to predict the impact of this variant on ATRX protein function. In summary, the available evidence is currently insufficient to determine the role of this variant in disease. Therefore, it has been classified as a Variant of Uncertain Significance.